The following is an entry in ClinVar:

ClinVar aggregate classification (germline): Uncertain significance (1 of 4 stars; one submission).

Allele frequency attached by ClinVar (database versions not stated): gnomAD exomes below 0.00001; ExAC 0.00001.
gnomAD v4.1: 7 of 1,613,952 alleles (0.00043%); highest among the groups gnomAD compares: African/African-American, 0.0027%; no homozygotes.

Submission:

Mayo Clinic Laboratories, Mayo Clinic
Classification: Uncertain significance. Last evaluated: 2023-01-16. Review status: criteria provided, single submitter. Criteria: ACMG Guidelines, 2015. Collection method: clinical testing. Allele origin: germline. Observed: 1 variant allele.
Comment: BP4, PM1, PM2, PS4_moderate

NM_000552.5(VWF):c.5768T>C (p.Leu1923Pro)

Gene: VWF (von Willebrand factor; minus strand). Cytogenetic location: 12p13.31.
Variant type: single nucleotide variant.
Coding change: c.5768T>C on transcript NM_000552.5 (MANE Select); coding-DNA position 5768, T replaced by C.
Protein change: p.Leu1923Pro; replaces leucine 1923 with proline.
Molecular consequence: missense variant.
Genome position (GRCh38, 1-based): chr12:6,011,691, A>G on the plus strand (T>C on the coding strand, the complement: VWF is on the minus strand). VCF-style: chr12-6011691-A-G. GRCh37 (hg19) VCF-style: chr12-6120857-A-G.
Other names: p.Leu1923Pro; short protein forms L1923P.
Identifiers: ClinVar variation 2683180 (VCV002683180.1), dbSNP rs778370191, ClinGen allele CA6402160.
Genomic context (GRCh38, chr12:6,011,691, plus strand): 5'-CGGCAGCCACAGGTCTCTTCCACTTTAACAGGGGACTGGCTGTTAGGGCACGAAGGCCTC[A>G]GCCCCCGGTCACAGTTGACCCGATGACTCTTCAGCAAGGTCTGGCCATCTGGCTGGCAAG-3'
Protein context (NP_000543.3, residues 1913-1933): KSHRVNCDRG[Leu1923Pro]RPSCPNSQSP